The following is an entry in ClinVar:

ClinVar aggregate classification (germline): Uncertain significance (1 of 4 stars; one submission).

Conditions:
Fanconi renotubular syndrome 3 (FRTS3). Identifiers: MedGen C3810100, MONDO:0014275, OMIM 615605.

Allele frequency attached by ClinVar (database versions not stated): gnomAD exomes 0.00001.
gnomAD v4.1: 9 of 1,614,220 alleles (0.00056%); highest among the groups gnomAD compares: Non-Finnish European, 0.00068%; no homozygotes.

Submission:

Johns Hopkins Genomics, Johns Hopkins University
Classification: Uncertain significance for Fanconi renotubular syndrome 3. Last evaluated: 2021-12-01. Review status: criteria provided, single submitter. Criteria: ACMG Guidelines, 2015. Collection method: clinical testing. Allele origin: germline.
Comment: EHHADH c.734A>G (rs1357636145) is rare (<0.1%) in a large population dataset (gnomAD: 2/251252 total alleles; 0.0008%; no homozygotes) and has not been reported in ClinVar nor the literature to our knowledge. Three bioinformatic tools queried predict that this substitution would be damaging and the tyrosine residue at this position is evolutionarily conserved across many of the species assessed. We consider the clinical significance of EHHADH c.734A>G to be uncertain at this time.

NM_001966.4(EHHADH):c.734A>G (p.Tyr245Cys)

Gene: EHHADH (enoyl-CoA hydratase and 3-hydroxyacyl CoA dehydrogenase; minus strand). Cytogenetic location: 3q27.2.
Variant type: single nucleotide variant.
Coding change: c.734A>G on transcript NM_001966.4 (MANE Select); coding-DNA position 734, A replaced by G.
Protein change: p.Tyr245Cys; replaces tyrosine 245 with cysteine.
Molecular consequence: missense variant.
Genome position (GRCh38, 1-based): chr3:185,204,592, T>C on the plus strand (A>G on the coding strand, the complement: EHHADH is on the minus strand). VCF-style: chr3-185204592-T-C. GRCh37 (hg19) VCF-style: chr3-184922380-T-C.
Other names: c.446A>G, p.Tyr149Cys (NM_001166415.2); short protein forms Y149C, Y245C.
Identifiers: ClinVar variation 1331703 (VCV001331703.1), dbSNP rs1357636145, ClinGen allele CA355679823.